The following is an entry in ClinVar:

NM_004260.4(RECQL4):c.3087G>C (p.Glu1029Asp)

Gene: RECQL4 (RecQ like helicase 4; minus strand). Cytogenetic location: 8q24.3.
Variant type: single nucleotide variant.
Coding change: c.3087G>C on transcript NM_004260.4 (MANE Select); coding-DNA position 3087, G replaced by C.
Protein change: p.Glu1029Asp; replaces glutamic acid 1029 with aspartic acid.
Molecular consequence: missense variant.
Genome position (GRCh38, 1-based): chr8:144,512,293, C>G on the plus strand (G>C on the coding strand, the complement: RECQL4 is on the minus strand). VCF-style: chr8-144512293-C-G. GRCh37 (hg19) VCF-style: chr8-145737676-C-G.
Other names: short protein forms E1029D.
Identifiers: ClinVar variation 1003351 (VCV001003351.3), dbSNP rs767786765, ClinGen allele CA187679709.

ClinVar aggregate classification (germline): Uncertain significance (1 of 4 stars; one submission).

Conditions:
Baller-Gerold syndrome (BGS). Also called: CRANIOSYNOSTOSIS WITH RADIAL DEFECTS. Identifiers: Orphanet 1225, MedGen C0265308, MONDO:0009039, OMIM 218600.

Allele frequency attached by ClinVar (database versions not stated): gnomAD exomes below 0.00001.
gnomAD v4.1: 3 of 1,612,528 alleles (0.00019%); highest among the groups gnomAD compares: Non-Finnish European, 0.00025%; no homozygotes.

Submission:

Labcorp Genetics (formerly Invitae), Labcorp
Classification: Uncertain significance for Baller-Gerold syndrome. Last evaluated: 2023-09-22. Review status: criteria provided, single submitter. Criteria: Invitae Variant Classification Sherloc (09022015). Collection method: clinical testing. Allele origin: germline.
Comment: Advanced modeling of protein sequence and biophysical properties (such as structural, functional, and spatial information, amino acid conservation, physicochemical variation, residue mobility, and thermodynamic stability) has been performed at Invitae for this missense variant, however the output from this modeling did not meet the statistical confidence thresholds required to predict the impact of this variant on RECQL4 protein function. This sequence change replaces glutamic acid, which is acidic and polar, with aspartic acid, which is acidic and polar, at codon 1029 of the RECQL4 protein (p.Glu1029Asp). This variant is present in population databases (rs767786765, gnomAD 0.0009%). This variant has not been reported in the literature in individuals affected with RECQL4-related conditions. ClinVar contains an entry for this variant (Variation ID: 1003351). In summary, the available evidence is currently insufficient to determine the role of this variant in disease. Therefore, it has been classified as a Variant of Uncertain Significance.